The following is an entry in ClinVar:

ClinVar aggregate classification (germline): Uncertain significance. Review status: criteria provided, multiple submitters, no conflicts (2 of 4 stars). 4 submissions from 4 submitters: Uncertain significance (3). 1 of the submissions does not count toward it. Last evaluated 2023-11-27.

Conditions:
Inborn genetic diseases. Identifiers: MedGen C0950123, MeSH D030342.
Cortical dysplasia-focal epilepsy syndrome (PTHSL1). Also called: Pitt-Hopkins-like syndrome 1. Identifiers: Orphanet 163681, Orphanet 221150, MedGen C2750246, MONDO:0012400, OMIM 610042.
CNTNAP2-related disorder. Also called: CNTNAP2-related condition.

Allele frequency attached by ClinVar (database versions not stated): gnomAD 0.00004 and 0.00005; TOPMed 0.00004; ESP Exome Variant Server 0.00015.

Submissions (4):

Labcorp Genetics (formerly Invitae), Labcorp
Classification: Uncertain significance for Cortical dysplasia-focal epilepsy syndrome. Last evaluated: 2023-11-27. Review status: criteria provided, single submitter. Criteria: Invitae Variant Classification Sherloc (09022015). Collection method: clinical testing. Allele origin: germline.
Comment: This sequence change replaces aspartic acid, which is acidic and polar, with asparagine, which is neutral and polar, at codon 80 of the CNTNAP2 protein (p.Asp80Asn). This variant is present in population databases (rs370057104, gnomAD 0.008%). This variant has not been reported in the literature in individuals affected with CNTNAP2-related conditions. ClinVar contains an entry for this variant (Variation ID: 205299). An algorithm developed to predict the effect of missense changes on protein structure and function (PolyPhen-2) suggests that this variant¬†is likely to be tolerated. In summary, the available evidence is currently insufficient to determine the role of this variant in disease. Therefore, it has been classified as a Variant of Uncertain Significance.

GeneDx
Classification: Uncertain significance. Last evaluated: 2022-12-16. Review status: criteria provided, single submitter. Criteria: GeneDx Variant Classification Process June 2021. Collection method: clinical testing. Allele origin: germline. Affected: yes.
Comment: Not observed at significant frequency in large population cohorts (gnomAD); In silico analysis supports that this missense variant does not alter protein structure/function; Has not been previously published as pathogenic or benign to our knowledge

Ambry Genetics
Classification: Uncertain significance for Inborn genetic diseases. Last evaluated: 2018-02-20. Review status: criteria provided, single submitter. Criteria: Ambry Variant Classification Scheme 2023. Collection method: clinical testing. Allele origin: germline.
Comment: The p.D80N variant (also known as c.238G>A), located in coding exon 3 of the CNTNAP2 gene, results from a G to A substitution at nucleotide position 238. The aspartic acid at codon 80 is replaced by asparagine, an amino acid with highly similar properties. This amino acid position is highly conserved in available vertebrate species; however, asparagine is the reference amino acid in other vertebrate species. In addition, this alteration is predicted to be tolerated by in silico analysis. Since supporting evidence is limited at this time, the clinical significance of this alteration remains unclear.

PreventionGenetics, part of Exact Sciences
Classification: Uncertain significance for CNTNAP2-related condition. Last evaluated: 2024-09-23. Review status: no assertion criteria provided. Collection method: clinical testing. Allele origin: germline. Not counted in ClinVar's aggregate classification.
Comment: The CNTNAP2 c.238G>A variant is predicted to result in the amino acid substitution p.Asp80Asn. To our knowledge, this variant has not been reported in the literature. This variant is reported in 0.0080% of alleles in individuals of African descent in gnomAD. At this time, the clinical significance of this variant is uncertain due to the absence of conclusive functional and genetic evidence.

NM_014141.6(CNTNAP2):c.238G>A (p.Asp80Asn)

Gene: CNTNAP2 (contactin associated protein 2; plus strand). Cytogenetic location: 7q35.
Variant type: single nucleotide variant.
Coding change: c.238G>A on transcript NM_014141.6 (MANE Select); coding-DNA position 238, G replaced by A.
Protein change: p.Asp80Asn; replaces aspartic acid 80 with asparagine.
Molecular consequence: missense variant.
Genome position (GRCh38, 1-based): chr7:146,839,740, G>A. VCF-style: chr7-146839740-G-A. GRCh37 (hg19) VCF-style: chr7-146536832-G-A.
Other names: p.D80N:GAC>AAC; short protein forms D80N.
Identifiers: ClinVar variation 205299 (VCV000205299.8), dbSNP rs370057104, ClinGen allele CA314232.
Genomic context (GRCh38, chr7:146,839,740, plus strand): 5'-ATTTTCCCATCTTACCTCTGCCCATCTTCAGGTGCTGGGGGATGGTCTCCATCAGACAGC[G>A]ACCATTATCAATGGCTTCAGGTTGACTTTGGCAATCGGAAGCAGATCAGTGCCATTGCAA-3'
Protein context (NP_054860.1, residues 70-90): GAGGWSPSDS[Asp80Asn]HYQWLQVDFG